The following is an entry in ClinVar:

ClinVar aggregate classification (germline): Likely benign (1 of 4 stars; one submission).

Allele frequency attached by ClinVar (database versions not stated): gnomAD 0.01313 and 0.01400; ESP Exome Variant Server 0.01347; TOPMed 0.01465; 1000 Genomes Project 0.01657; 1000 Genomes Project 30x 0.01702.
gnomAD v4.1: 3,974 of 1,563,202 alleles (0.25%); highest among the groups gnomAD compares: African/African-American, 4.7%; 80 homozygotes.

Submission:

GeneDx
Classification: Likely benign. Last evaluated: 2018-06-16. Review status: criteria provided, single submitter. Criteria: GeneDx Variant Classification (06012015). Collection method: clinical testing. Allele origin: germline. Affected: yes.
Comment: This variant is considered likely benign or benign based on one or more of the following criteria: it is a conservative change, it occurs at a poorly conserved position in the protein, it is predicted to be benign by multiple in silico algorithms, and/or has population frequency not consistent with disease.

NM_016239.4(MYO15A):c.4207-35G>T

Gene: MYO15A (myosin XVA; plus strand). Cytogenetic location: 17p11.2.
Variant type: single nucleotide variant.
Coding change: c.4207-35G>T on transcript NM_016239.4 (MANE Select); 35 bases into the intron before coding-DNA position 4207, G replaced by T.
Molecular consequence: intron variant.
Genome position (GRCh38, 1-based): chr17:18,132,418, G>T. VCF-style: chr17-18132418-G-T. GRCh37 (hg19) VCF-style: chr17-18035732-G-T.
Identifiers: ClinVar variation 684296 (VCV000684296.1), dbSNP rs74334274, ClinGen allele CA8423812.